The following is an entry in ClinVar:

ClinVar aggregate classification (germline): Uncertain significance (1 of 4 stars; one submission).

Conditions:
Cystic fibrosis (CF). Also called: MUCOVISCIDOSIS. Identifiers: Orphanet 586, MedGen C0010674, MONDO:0009061, OMIM 219700. Disease mechanism: loss of function.

Submission:

Ambry Genetics
Classification: Uncertain significance for Cystic fibrosis. Last evaluated: 2020-11-05. Review status: criteria provided, single submitter. Criteria: Ambry Variant Classification Scheme 2023. Collection method: clinical testing. Allele origin: germline.
Comment: The p.M469L variant (also known as c.1405A>T), located in coding exon 11 of the CFTR gene, results from an A to T substitution at nucleotide position 1405. The methionine at codon 469 is replaced by leucine, an amino acid with highly similar properties. This amino acid position is highly conserved in available vertebrate species. In addition, this alteration is predicted to be deleterious by in silico analysis. Since supporting evidence is limited at this time, the clinical significance of this alteration remains unclear.

NM_000492.4(CFTR):c.1405A>T (p.Met469Leu)

Genes: CFTR (CF transmembrane conductance regulator; plus strand), CFTR-AS1 (CFTR antisense RNA 1; minus strand). Cytogenetic location: 7q31.2.
Variant type: single nucleotide variant.
Coding change: c.1405A>T on transcript NM_000492.4 (MANE Select); coding-DNA position 1405, A replaced by T.
Protein change: p.Met469Leu; replaces methionine 469 with leucine.
Molecular consequence: missense variant.
Genome position (GRCh38, 1-based): chr7:117,559,476, A>T. VCF-style: chr7-117559476-A-T. GRCh37 (hg19) VCF-style: chr7-117199530-A-T.
Other names: short protein forms M469L.
Identifiers: ClinVar variation 1771883 (VCV001771883.2), dbSNP rs397508203, ClinGen allele CA368984314.